The following is an entry in ClinVar:

NM_004646.4(NPHS1):c.3385A>C (p.Thr1129Pro)

Gene: NPHS1 (NPHS1 adhesion molecule, nephrin; minus strand). Cytogenetic location: 19q13.12.
Variant type: single nucleotide variant.
Coding change: c.3385A>C on transcript NM_004646.4 (MANE Select); coding-DNA position 3385, A replaced by C.
Protein change: p.Thr1129Pro; replaces threonine 1129 with proline.
Molecular consequence: missense variant.
Genome position (GRCh38, 1-based): chr19:35,831,298, T>G on the plus strand (A>C on the coding strand, the complement: NPHS1 is on the minus strand). VCF-style: chr19-35831298-T-G. GRCh37 (hg19) VCF-style: chr19-36322200-T-G.
Other names: short protein forms T1129P.
Identifiers: ClinVar variation 191103 (VCV000191103.2), dbSNP rs786205518, ClinGen allele CA236021.

ClinVar aggregate classification (germline): Conflicting classifications of pathogenicity. Review status: criteria provided, conflicting classifications (1 of 4 stars). 2 submissions from 2 submitters: Likely pathogenic (1); Uncertain significance (1). Last evaluated 2022-01-03.

Conditions:
Finnish congenital nephrotic syndrome (NPHS1). Also called: NEPHROTIC SYNDROME, TYPE 1. Identifiers: Orphanet 839, MedGen C0403399, MONDO:0009732, OMIM 256300.

Allele frequency attached by ClinVar (database versions not stated): gnomAD exomes below 0.00001.
gnomAD v4.1: 1 of 1,614,022 alleles (0.000062%); highest among the groups gnomAD compares: Non-Finnish European, 0.000085%; no homozygotes.

Submissions (2):

3billion
Classification: Uncertain significance for Finnish congenital nephrotic syndrome. Last evaluated: 2022-01-03. Review status: criteria provided, single submitter. Criteria: ACMG Guidelines, 2015. Collection method: clinical testing. Allele origin: germline. Affected: yes. Observed: 1 homozygote.
Comment: Same nucleotide change resulting in same amino acid change has been previously reported to be associated with NPHS1 related disorder (ClinVar ID: VCV000191103, PS1_P). It is observed at an extremely low frequency in the gnomAD v2.1.1 dataset (total allele frequency: 0.000004, PM2_M). In silico tool predictions suggest no damaging effect of the variant on gene or gene product (REVEL:0.199<=0.4, 3CNET:0.009<=0.25, BP4_P). Therefore, this variant is classified as uncertain significance according to the recommendation of ACMG/AMP guideline.

Genomic Medicine Center of Excellence, King Faisal Specialist Hospital and Research Centre
Classification: Likely pathogenic. Review status: criteria provided, single submitter. Criteria: ACMG Guidelines, 2015. Collection method: research. Allele origin: germline. Affected: yes.